The following is an entry in ClinVar:

ClinVar aggregate classification (germline): Likely benign. Review status: criteria provided, multiple submitters, no conflicts (2 of 4 stars). 3 submissions from 3 submitters: Likely benign (2). 1 of the submissions does not count toward it. Last evaluated 2026-06-11.

Conditions:
MRTFA-related disorder. Also called: MRTFA-related condition.

Allele frequency attached by ClinVar (database versions not stated): gnomAD exomes 0.00002; ExAC 0.00004; gnomAD 0.00005; TOPMed 0.00005.
gnomAD v4.1: 187 of 1,546,258 alleles (0.012%); highest among the groups gnomAD compares: Non-Finnish European, 0.015%; no homozygotes.

Submissions (3):

PreventionGenetics, part of Exact Sciences
Classification: Likely benign for MRTFA-related condition. Last evaluated: 2026-06-11. Review status: criteria provided, single submitter. Criteria: ACMG Guidelines, 2015. Collection method: clinical testing. Allele origin: germline.
Comment: This variant is classified as likely benign based on ACMG/AMP sequence variant interpretation guidelines (Richards et al. 2015 PMID: 25741868, with internal and published modifications).

Labcorp Genetics (formerly Invitae), Labcorp
Classification: Likely benign. Last evaluated: 2025-12-03. Review status: criteria provided, single submitter. Criteria: Invitae Variant Classification Sherloc (09022015). Collection method: clinical testing. Allele origin: germline.

Genetic Services Laboratory, University of Chicago
Classification: Likely benign. Last evaluated: 2022-09-02. Review status: no assertion criteria provided. Collection method: clinical testing. Allele origin: germline. Affected: no. Not counted in ClinVar's aggregate classification.

NM_020831.6(MRTFA):c.918A>G (p.Thr306=)

Gene: MRTFA (myocardin related transcription factor A; minus strand). Cytogenetic location: 22q13.1.
Variant type: single nucleotide variant.
Coding change: c.918A>G on transcript NM_020831.6 (MANE Select); coding-DNA position 918, A replaced by G.
Protein change: p.Thr306=; no amino-acid change (threonine 306 retained).
Molecular consequence: synonymous variant. On other transcripts: intron variant (1).
Genome position (GRCh38, 1-based): chr22:40,423,545, T>C on the plus strand (A>G on the coding strand, the complement: MRTFA is on the minus strand). VCF-style: chr22-40423545-T-C. GRCh37 (hg19) VCF-style: chr22-40819549-T-C.
Other names: c.618A>G (NM_020831.4); c.618A>G, p.Thr206= (NM_001282660.2); c.918A>G, p.Thr306= (NM_001282662.3); c.723A>G, p.Thr241= (NM_001318139.2); c.777+661A>G (NM_001282661.3); c.918A>G (NM_020831.5).
Identifiers: ClinVar variation 1683134 (VCV001683134.12), dbSNP rs746840945, ClinGen allele CA10249840.
Genomic context (GRCh38, chr22:40,423,545, plus strand): 5'-ACTCCAAAGGGCACAGGGAAGGGGAGGGTACAATCACTGGCAGAAATGTACCTTAATGAG[T>C]GTGGGGGTGGACTTGGCAGTGGGGATAGTGGTTCCATTGGTGAGGCTGGGAGGCAGCAGA-3'
Protein context (NP_065882.2, residues 296-316): TTIPTAKSTP[Thr306=]LIKQSQPKSA